The following is an entry in ClinVar:

ClinVar aggregate classification (germline): Likely benign. Review status: criteria provided, multiple submitters, no conflicts (2 of 4 stars). 3 submissions from 3 submitters: Likely benign (3). Last evaluated 2025-12-16.

Conditions:
Inborn genetic diseases. Identifiers: MedGen C0950123, MeSH D030342.

Allele frequency attached by ClinVar (database versions not stated): ExAC 0.00002; gnomAD 0.00005 and 0.00006; TOPMed 0.00007; ESP Exome Variant Server 0.00008.
gnomAD v4.1: 96 of 1,613,814 alleles (0.0059%); highest among the groups gnomAD compares: Non-Finnish European, 0.0075%; no homozygotes.

Submissions (3):

Labcorp Genetics (formerly Invitae), Labcorp
Classification: Likely benign. Last evaluated: 2025-12-16. Review status: criteria provided, single submitter. Criteria: Invitae Variant Classification Sherloc (09022015). Collection method: clinical testing. Allele origin: germline.

CeGaT Center for Human Genetics Tuebingen
Classification: Likely benign. Last evaluated: 2025-11-01. Review status: criteria provided, single submitter. Criteria: CeGaT Center For Human Genetics Tuebingen Variant Classification Criteria Version 2. Collection method: clinical testing. Allele origin: germline. Affected: yes. Observed: 1 variant allele.
Comment: ERCC2: BP4, BP7

Ambry Genetics
Classification: Likely benign for Inborn genetic diseases. Last evaluated: 2022-02-12. Review status: criteria provided, single submitter. Criteria: Ambry Variant Classification Scheme 2023. Collection method: clinical testing. Allele origin: germline.

NM_000400.4(ERCC2):c.2221C>T (p.Leu741=)

Gene: ERCC2 (ERCC excision repair 2, TFIIH core complex helicase subunit; minus strand). Cytogenetic location: 19q13.32.
Variant type: single nucleotide variant.
Coding change: c.2221C>T on transcript NM_000400.4 (MANE Select); coding-DNA position 2221, C replaced by T.
Protein change: p.Leu741=; no amino-acid change (leucine 741 retained).
Molecular consequence: synonymous variant.
Genome position (GRCh38, 1-based): chr19:45,351,691, G>A on the plus strand (C>T on the coding strand, the complement: ERCC2 is on the minus strand). VCF-style: chr19-45351691-G-A. GRCh37 (hg19) VCF-style: chr19-45854949-G-A.
Identifiers: ClinVar variation 1560821 (VCV001560821.16), dbSNP rs370170190, ClinGen allele CA9512811.
Genomic context (GRCh38, chr19:45,351,691, plus strand): 5'-AGAGCTGCTGAGCAATCTGCTCTATCCTCTTCAGCGTCTCCTCTGATTCTAGCTGCTCCA[G>A]GCTGAGCAGGGACAGGCCCAGCTGATCCTCCTGCAGAGAACAGAGGAAAGGGAGAGGGGG-3'
Protein context (NP_000391.1, residues 731-751): EDQLGLSLLS[Leu741=]EQLESEETLK